The following is an entry in ClinVar:

ClinVar aggregate classification (germline): Pathogenic (1 of 4 stars; one submission).

gnomAD v4.1: 9 of 1,557,156 alleles (0.00058%); highest among the groups gnomAD compares: African/African-American, 0.0014%; no homozygotes.

Submission:

Labcorp Genetics (formerly Invitae), Labcorp
Classification: Pathogenic. Last evaluated: 2025-03-30. Review status: criteria provided, single submitter. Criteria: Invitae Variant Classification Sherloc (09022015). Collection method: clinical testing. Allele origin: germline.
Comment: This sequence change creates a premature translational stop signal (p.Arg3452*) in the HSPG2 gene. It is expected to result in an absent or disrupted protein product. Loss-of-function variants in HSPG2 are known to be pathogenic (PMID: 11279527, 16927315, 20542149, 23836246). The frequency data for this variant in the population databases is considered unreliable, as metrics indicate poor data quality at this position in the gnomAD database. This premature translational stop signal has been observed in individual(s) with Schwartz-Jampel syndrome (PMID: 16927315). For these reasons, this variant has been classified as Pathogenic.

Literature cited by the submitters: PubMed 11279527; PubMed 16927315; PubMed 20542149; PubMed 23836246.

NM_005529.7(HSPG2):c.10354C>T (p.Arg3452Ter)

Gene: HSPG2 (heparan sulfate proteoglycan 2; minus strand). Cytogenetic location: 1p36.12.
Variant type: single nucleotide variant.
Coding change: c.10354C>T on transcript NM_005529.7 (MANE Select); coding-DNA position 10354, C replaced by T.
Protein change: p.Arg3452Ter; replaces arginine 3452 with a stop codon.
Molecular consequence: nonsense.
Genome position (GRCh38, 1-based): chr1:21,836,803, G>A on the plus strand (C>T on the coding strand, the complement: HSPG2 is on the minus strand). VCF-style: chr1-21836803-G-A. GRCh37 (hg19) VCF-style: chr1-22163296-G-A.
Other names: c.10357C>T, p.Arg3453Ter (NM_001291860.2); short protein forms R3452*, R3453*.
Identifiers: ClinVar variation 4746780 (VCV004746780.1).